The following is an entry in ClinVar:

ClinVar aggregate classification (germline): Uncertain significance (1 of 4 stars; one submission).

Allele frequency attached by ClinVar (database versions not stated): gnomAD 0.00001; ExAC 0.00002; gnomAD exomes 0.00003; TOPMed 0.00003.
gnomAD v4.1: 51 of 1,614,080 alleles (0.0032%); highest among the groups gnomAD compares: Non-Finnish European, 0.004%; no homozygotes.

Submission:

Labcorp Genetics (formerly Invitae), Labcorp
Classification: Uncertain significance. Last evaluated: 2023-08-27. Review status: criteria provided, single submitter. Criteria: Invitae Variant Classification Sherloc (09022015). Collection method: clinical testing. Allele origin: germline.
Comment: This sequence change falls in intron 7 of the TUBG1 gene. It does not directly change the encoded amino acid sequence of the TUBG1 protein. It affects a nucleotide within the consensus splice site. This variant is present in population databases (rs756168470, gnomAD 0.004%). This variant has not been reported in the literature in individuals affected with TUBG1-related conditions. Variants that disrupt the consensus splice site are a relatively common cause of aberrant splicing (PMID: 17576681, 9536098). Algorithms developed to predict the effect of sequence changes on RNA splicing suggest that this variant is not likely to affect RNA splicing. In summary, the available evidence is currently insufficient to determine the role of this variant in disease. Therefore, it has been classified as a Variant of Uncertain Significance.

Literature cited by the submitters: PubMed 17576681; PubMed 9536098.

NM_001070.5(TUBG1):c.694-3C>T

Gene: TUBG1 (tubulin gamma 1; plus strand). Cytogenetic location: 17q21.2.
Variant type: single nucleotide variant.
Coding change: c.694-3C>T on transcript NM_001070.5 (MANE Select); 3 bases into the intron before coding-DNA position 694, C replaced by T.
Molecular consequence: intron variant.
Genome position (GRCh38, 1-based): chr17:42,613,846, C>T. VCF-style: chr17-42613846-C-T. GRCh37 (hg19) VCF-style: chr17-40765864-C-T.
Identifiers: ClinVar variation 3019171 (VCV003019171.3), dbSNP rs756168470, ClinGen allele CA8579957.